The following is an entry in ClinVar:

NM_001142864.4(PIEZO1):c.1333G>A (p.Val445Ile)

Genes: HSALR1 (HSP90AB1 associated lncRNA 1; plus strand), PIEZO1 (piezo type mechanosensitive ion channel component 1 (Er blood group); minus strand). Cytogenetic location: 16q24.3.
Variant type: single nucleotide variant.
Coding change: c.1333G>A on transcript NM_001142864.4 (MANE Select); coding-DNA position 1333, G replaced by A.
Protein change: p.Val445Ile; replaces valine 445 with isoleucine.
Molecular consequence: missense variant.
Genome position (GRCh38, 1-based): chr16:88,736,372, C>T on the plus strand (G>A on the coding strand, the complement: PIEZO1 is on the minus strand). VCF-style: chr16-88736372-C-T. GRCh37 (hg19) VCF-style: chr16-88802780-C-T.
Other names: p.Val445Ile; c.1333G>A (NM_001142864.3); short protein forms V445I.
Identifiers: ClinVar variation 1693683 (VCV001693683.25), dbSNP rs902069811, ClinGen allele CA286432835.

ClinVar aggregate classification (germline): Conflicting classifications of pathogenicity. Review status: criteria provided, conflicting classifications (1 of 4 stars). 6 submissions from 6 submitters: Uncertain significance (4); Benign (1). 1 of the submissions does not count toward it. Last evaluated 2025-03-06.

Conditions:
Dehydrated hereditary stomatocytosis with or without pseudohyperkalemia and/or perinatal edema (DHS1). Also called: PSEUDOHYPERKALEMIA EDINBURGH; DEHYDRATED HEREDITARY STOMATOCYTOSIS AND PSEUDOHYPERKALEMIA; DEHYDRATED HEREDITARY STOMATOCYTOSIS WITH PSEUDOHYPERKALEMIA AND PERINATAL EDEMA; Pseudohyperkalemia, familial, 1, due to red cell leak; Dehydrated hereditary stomatocytosis 1 with or without pseudohyperkalemia and/or perinatal edema. Identifiers: Orphanet 3202, MedGen C4551512, MONDO:0008689, OMIM 194380.
PIEZO1-related disorder. Also called: PIEZO1-related condition; PIEZO1-Related Disorders.
Inborn genetic diseases. Identifiers: MedGen C0950123, MeSH D030342.

gnomAD v4.1: 23 of 1,549,590 alleles (0.0015%); highest among the groups gnomAD compares: Middle Eastern, 0.017%; no homozygotes.

Submissions (6):

Labcorp Genetics (formerly Invitae), Labcorp
Classification: Benign. Last evaluated: 2025-03-06. Review status: criteria provided, single submitter. Criteria: Invitae Variant Classification Sherloc (09022015). Collection method: clinical testing. Allele origin: germline.

CeGaT Center for Human Genetics Tuebingen
Classification: Uncertain significance. Last evaluated: 2024-09-01. Review status: criteria provided, single submitter. Criteria: CeGaT Center For Human Genetics Tuebingen Variant Classification Criteria Version 2. Collection method: clinical testing. Allele origin: germline. Affected: yes. Observed: 1 variant allele.
Comment: PIEZO1: PM2

Ambry Genetics
Classification: Uncertain significance for Inborn genetic diseases. Last evaluated: 2024-07-27. Review status: criteria provided, single submitter. Criteria: Ambry Variant Classification Scheme 2023. Collection method: clinical testing. Allele origin: germline.

Mayo Clinic Laboratories, Mayo Clinic
Classification: Uncertain significance. Last evaluated: 2021-08-23. Review status: criteria provided, single submitter. Criteria: ACMG Guidelines, 2015. Collection method: clinical testing. Allele origin: germline.

Neuberg Centre For Genomic Medicine, NCGM
Classification: Uncertain significance for Dehydrated hereditary stomatocytosis with or without pseudohyperkalemia and/or perinatal edema. Review status: criteria provided, single submitter. Criteria: ACMG Guidelines, 2015. Collection method: clinical testing. Allele origin: germline. Inheritance: Autosomal dominant inheritance. Affected: yes.
Comment: The missense c.1333G>Ap.Val445Ile variant in PIEZO1 gene has not been reported previously as a pathogenic variant nor as a benign variant, to our knowledge. The p.Val445Ile variant has been reported with allele frequency of 0.001% in gnomAD Exomes and is novel not in any individuals in 1000 Genomes database. This variant has been reported to the ClinVar database as Uncertain significance. The amino acid change p.Val445Ile in PIEZO1 is predicted as conserved by GERP++ and PhyloP across 100 vertebrates. The amino acid Val at position 445 is changed to a Ile changing protein sequence and it might alter its composition and physico-chemical properties. For these reasons, this variant has been classified as Variant of Uncertain Significance VUS

PreventionGenetics, part of Exact Sciences
Classification: Uncertain significance for PIEZO1-related condition. Last evaluated: 2024-01-23. Review status: no assertion criteria provided. Collection method: clinical testing. Allele origin: germline. Not counted in ClinVar's aggregate classification.
Comment: The PIEZO1 c.1333G>A variant is predicted to result in the amino acid substitution p.Val445Ile. To our knowledge, this variant has not been reported in the literature. This variant is reported in 0.0092% of alleles in individuals of East Asian descent in gnomAD. At this time, the clinical significance of this variant is uncertain due to the absence of conclusive functional and genetic evidence.